The following is an entry in ClinVar:

NM_021942.6(TRAPPC11):c.3173_3180del (p.Phe1058fs)

Gene: TRAPPC11 (trafficking protein particle complex subunit 11; plus strand). Cytogenetic location: 4q35.1.
Variant type: Deletion.
Coding change: c.3173_3180del on transcript NM_021942.6 (MANE Select); coding-DNA positions 3173 to 3180, 8 bases deleted (TCTCAGGT; older notation c.3173_3180delTCTCAGGT).
Protein change: p.Phe1058fs; shifts the reading frame from phenylalanine 1058.
Molecular consequence: frameshift variant.
Genome position (GRCh38, 1-based): chr4:183,706,924-183,706,931, TCTCAGGT deleted; deleting any 8 consecutive bases within chr4:183,706,922-183,706,931 gives the same sequence; the c. name uses the placement nearest the transcript's 3' end. VCF-style (leftmost placement, unchanged base first): chr4-183706921-TGTTCTCAG-T. GRCh37 (hg19) VCF-style: chr4-184628074-TGTTCTCAG-T.
Other names: c.3173_3180del, p.Phe1058fs (NM_199053.3); c.3173_3180del (NM_021942.5); short protein forms F1058fs.
Identifiers: ClinVar variation 1458177 (VCV001458177.7), dbSNP rs1400419850, ClinGen allele CA792091543.

ClinVar aggregate classification (germline): Pathogenic/Likely pathogenic. Review status: criteria provided, multiple submitters, no conflicts (2 of 4 stars). 2 submissions from 2 submitters: Pathogenic (1); Likely pathogenic (1). Last evaluated 2025-09-08.

Conditions:
Autosomal recessive limb-girdle muscular dystrophy type R18 (LGMDR18). Also called: Limb-girdle muscular dystrophy, type 2S; MUSCULAR DYSTROPHY, LIMB-GIRDLE, AUTOSOMAL RECESSIVE 18; Autosomal recessive limb-girdle muscular dystrophy type 2S. Identifiers: Orphanet 369840, MedGen C4517996, MONDO:0014144, OMIM 615356.

Submissions (2):

Labcorp Genetics (formerly Invitae), Labcorp
Classification: Pathogenic for Autosomal recessive limb-girdle muscular dystrophy type R18. Last evaluated: 2025-09-08. Review status: criteria provided, single submitter. Criteria: Invitae Variant Classification Sherloc (09022015). Collection method: clinical testing. Allele origin: germline.
Comment: This sequence change creates a premature translational stop signal (p.Phe1058Serfs*19) in the TRAPPC11 gene. It is expected to result in an absent or disrupted protein product. Loss-of-function variants in TRAPPC11 are known to be pathogenic (PMID: 23830518, 26322222). This variant is not present in population databases (gnomAD no frequency). This variant has not been reported in the literature in individuals affected with TRAPPC11-related conditions. ClinVar contains an entry for this variant (Variation ID: 1458177). For these reasons, this variant has been classified as Pathogenic.

GeneDx
Classification: Likely pathogenic. Last evaluated: 2023-04-18. Review status: criteria provided, single submitter. Criteria: GeneDx Variant Classification Process June 2021. Collection method: clinical testing. Allele origin: germline. Affected: yes.
Comment: Frameshift variant predicted to result in protein truncation or nonsense mediated decay in a gene for which loss-of-function is a known mechanism of disease; Not observed at significant frequency in large population cohorts (gnomAD); Has not been previously published as pathogenic or benign to our knowledge

Literature cited by the submitters: PubMed 23830518 (cited by Labcorp Genetics (formerly Invitae), Labcorp); PubMed 26322222 (cited by Labcorp Genetics (formerly Invitae), Labcorp).